The following is an entry in ClinVar:

ClinVar aggregate classification (germline): Likely pathogenic (1 of 4 stars; one submission).

Conditions:
Intellectual disability. Also called: Intellectual functioning disability; intellectual disabilities; Intellectual developmental disorder. Identifiers: MedGen C3714756, MeSH D008607, MONDO:0001071, HP:0001249.

gnomAD v4.1: 1 of 1,611,566 alleles (0.000062%); highest among the groups gnomAD compares: Non-Finnish European, 0.000085%; no homozygotes.

Submission:

Clinical Genetics Laboratory, Skane University Hospital Lund
Classification: Likely pathogenic for Intellectual disability. Last evaluated: 2026-10-01. Review status: criteria provided, single submitter. Criteria: ACMG Guidelines, 2015. Collection method: clinical testing. Allele origin: de novo. Inheritance: Sporadic. Affected: yes.
Comment: PHIP (NM_017934.7) c.1460A>G, p.(His487Arg) involves a nucleotide substitution in exon 15 of 40 which leads to an amino acid substitution from histidine to arginine. The variant is located in a conserved region of the protein's WD40 domain, where variants in an adjacent codon has been shown to have a functionally damaging effect (PMID: 35863899). PHIP (NM_017934.7) c.1460A>G has previously been detected in a very low allele frequency in the normal population and has not previously been described in ClinVar. The variant has been classified as likely pathogenic with the following ACMG criteria: PS2_Moderate, PM1 and PM2.

NM_017934.7(PHIP):c.1460A>G (p.His487Arg)

Gene: PHIP (PHIP subunit of CUL4-Ring ligase complex; minus strand). Cytogenetic location: 6q14.1.
Variant type: single nucleotide variant.
Coding change: c.1460A>G on transcript NM_017934.7 (MANE Select); coding-DNA position 1460, A replaced by G.
Protein change: p.His487Arg; replaces histidine 487 with arginine.
Molecular consequence: missense variant.
Genome position (GRCh38, 1-based): chr6:79,015,146, T>C on the plus strand (A>G on the coding strand, the complement: PHIP is on the minus strand). VCF-style: chr6-79015146-T-C. GRCh37 (hg19) VCF-style: chr6-79724863-T-C.
Other names: short protein forms H487R.
Identifiers: ClinVar variation 5010189 (VCV005010189.1).